The following is an entry in ClinVar:

NM_000051.4(ATM):c.3925_3926insATGA (p.Ala1309fs)

Gene: ATM (ATM serine/threonine kinase; plus strand). Cytogenetic location: 11q22.3.
Variant type: Insertion.
Coding change: c.3925_3926insATGA on transcript NM_000051.4 (MANE Select); coding-DNA positions 3925 to 3926, ATGA inserted.
Protein change: p.Ala1309fs; shifts the reading frame from alanine 1309.
Molecular consequence: frameshift variant.
Genome position: GRCh38 VCF-style: chr11-108284405-G-GATGA. GRCh37 (hg19) VCF-style: chr11-108155132-G-GATGA.
Other names: c.3925_3926insATGA, p.Ala1309fs (NM_001351834.2); short protein forms A1309fs.
Identifiers: ClinVar variation 2453998 (VCV002453998.3), dbSNP rs2546887567, ClinGen allele CA2580083301.
Genomic context (GRCh38, chr11:108,284,405, plus strand): 5'-AAGATTCTTGTAAATATTCTTCCTTATTTTGCCTATGAGGGTACCAGAGACAGTGGGATG[G>GATGA]CACAGCAAAGAGAGACTGCTACCAAGGTCTATGATATGCTTAAAAGTGAAAACTTATTGG-3'

ClinVar aggregate classification (germline): Pathogenic/Likely pathogenic. Review status: criteria provided, multiple submitters, no conflicts (2 of 4 stars). 2 submissions from 2 submitters: Pathogenic (1); Likely pathogenic (1). Last evaluated 2023-05-17.

Conditions:
Hereditary cancer-predisposing syndrome. Also called: Neoplastic Syndromes, Hereditary; Hereditary neoplastic syndrome; Tumor predisposition; Hereditary Cancer Syndrome. Identifiers: Orphanet 140162, MedGen C0027672, MeSH D009386, MONDO:0015356.
Familial cancer of breast. Also called: BREAST CANCER, FAMILIAL; hereditary breast carcinoma; Hereditary breast cancer. Identifiers: Orphanet 227535, MedGen C0346153, MONDO:0016419, OMIM 114480. Disease mechanism: loss of function.

Submissions (2):

Baylor Genetics
Classification: Likely pathogenic for Familial cancer of breast. Last evaluated: 2023-05-17. Review status: criteria provided, single submitter. Criteria: ACMG Guidelines, 2015. Collection method: clinical testing. Allele origin: unknown.

Ambry Genetics
Classification: Pathogenic for Hereditary cancer-predisposing syndrome. Last evaluated: 2023-03-09. Review status: criteria provided, single submitter. Criteria: Ambry Variant Classification Scheme 2023. Collection method: clinical testing. Allele origin: germline.
Comment: The c.3925_3926insATGA pathogenic mutation, located in coding exon 25 of the ATM gene, results from an insertion of 4 nucleotides at position 3925, causing a translational frameshift with a predicted alternate stop codon (p.A1309Dfs*13). This variant is considered to be rare based on population cohorts in the Genome Aggregation Database (gnomAD). This alteration is expected to result in loss of function by premature protein truncation or nonsense-mediated mRNA decay. As such, this alteration is interpreted as a disease-causing mutation.